The following is an entry in ClinVar:

NM_000535.7(PMS2):c.1702C>T (p.Pro568Ser)

Gene: PMS2 (PMS1 homolog 2, mismatch repair system component; minus strand). Cytogenetic location: 7p22.1.
Variant type: single nucleotide variant.
Coding change: c.1702C>T on transcript NM_000535.7 (MANE Select); coding-DNA position 1702, C replaced by T.
Protein change: p.Pro568Ser; replaces proline 568 with serine.
Molecular consequence: missense variant. On other transcripts: non-coding transcript variant (1).
Genome position (GRCh38, 1-based): chr7:5,987,063, G>A on the plus strand (C>T on the coding strand, the complement: PMS2 is on the minus strand). VCF-style: chr7-5987063-G-A. GRCh37 (hg19) VCF-style: chr7-6026694-G-A.
Other names: c.1297C>T, p.Pro433Ser (NM_001322003.2, NM_001322004.2, NM_001322005.2 and 1 more transcripts); c.1546C>T, p.Pro516Ser (NM_001322006.2); c.1384C>T, p.Pro462Ser (NM_001322007.2, NM_001322008.2); c.1141C>T, p.Pro381Ser (NM_001322010.2); c.769C>T, p.Pro257Ser (NM_001322011.2, NM_001322012.2); c.1129C>T, p.Pro377Ser (NM_001322013.2); c.1702C>T, p.Pro568Ser (NM_001322014.2); c.1393C>T, p.Pro465Ser (NM_001322015.2); short protein forms P568S, P433S, P465S, P516S, P381S, P257S, P377S, P462S.
Identifiers: ClinVar variation 188162 (VCV000188162.11), dbSNP rs786204115, ClinGen allele CA010096.

ClinVar aggregate classification (germline): Uncertain significance. Review status: criteria provided, multiple submitters, no conflicts (2 of 4 stars). 2 submissions from 2 submitters: Uncertain significance (2). Last evaluated 2022-06-04.

Conditions:
Hereditary nonpolyposis colorectal neoplasms. Identifiers: MedGen C0009405, MeSH D003123.
Hereditary cancer-predisposing syndrome. Also called: Neoplastic Syndromes, Hereditary; Tumor predisposition; Hereditary Cancer Syndrome; Hereditary neoplastic syndrome. Identifiers: Orphanet 140162, MedGen C0027672, MeSH D009386, MONDO:0015356.

Submissions (2):

Labcorp Genetics (formerly Invitae), Labcorp
Classification: Uncertain significance for Hereditary nonpolyposis colorectal neoplasms. Last evaluated: 2022-06-04. Review status: criteria provided, single submitter. Criteria: Invitae Variant Classification Sherloc (09022015). Collection method: clinical testing. Allele origin: germline.
Comment: Advanced modeling of protein sequence and biophysical properties (such as structural, functional, and spatial information, amino acid conservation, physicochemical variation, residue mobility, and thermodynamic stability) performed at Invitae indicates that this missense variant is not expected to disrupt PMS2 protein function. This sequence change replaces proline, which is neutral and non-polar, with serine, which is neutral and polar, at codon 568 of the PMS2 protein (p.Pro568Ser). This variant is not present in population databases (gnomAD no frequency). This variant has not been reported in the literature in individuals affected with PMS2-related conditions. ClinVar contains an entry for this variant (Variation ID: 188162). In summary, the available evidence is currently insufficient to determine the role of this variant in disease. Therefore, it has been classified as a Variant of Uncertain Significance.

Ambry Genetics
Classification: Uncertain significance for Hereditary cancer-predisposing syndrome. Last evaluated: 2022-04-11. Review status: criteria provided, single submitter. Criteria: Ambry Variant Classification Scheme 2023. Collection method: clinical testing. Allele origin: germline.
Comment: The p.P568S variant (also known as c.1702C>T), located in coding exon 11 of the PMS2 gene, results from a C to T substitution at nucleotide position 1702. The proline at codon 568 is replaced by serine, an amino acid with similar properties. This amino acid position is conserved. In addition, this alteration is predicted to be tolerated by in silico analysis. Since supporting evidence is limited at this time, the clinical significance of this alteration remains unclear.